The following is an entry in ClinVar:

NM_002337.4(LRPAP1):c.496G>A (p.Gly166Ser)

Gene: LRPAP1 (LDL receptor related protein associated protein 1; minus strand). Cytogenetic location: 4p16.3.
Variant type: single nucleotide variant.
Coding change: c.496G>A on transcript NM_002337.4 (MANE Select); coding-DNA position 496, G replaced by A.
Protein change: p.Gly166Ser; replaces glycine 166 with serine.
Molecular consequence: missense variant. On other transcripts: non-coding transcript variant (1).
Genome position (GRCh38, 1-based): chr4:3,518,967, C>T on the plus strand (G>A on the coding strand, the complement: LRPAP1 is on the minus strand). VCF-style: chr4-3518967-C-T. GRCh37 (hg19) VCF-style: chr4-3520694-C-T.
Other names: short protein forms G166S.
Identifiers: ClinVar variation 721072 (VCV000721072.8), dbSNP rs143848774, ClinGen allele CA2829967.

ClinVar aggregate classification (germline): Benign/Likely benign. Review status: criteria provided, multiple submitters, no conflicts (2 of 4 stars). 4 submissions from 4 submitters: Benign (2); Likely benign (1). 1 of the submissions does not count toward it. Last evaluated 2025-11-05.

Conditions:
LRPAP1-related disorder. Also called: LRPAP1-related condition.

Allele frequency attached by ClinVar (database versions not stated): gnomAD exomes 0.00090 and 0.00036; TOPMed 0.00268; 1000 Genomes Project 30x 0.00406; 1000 Genomes Project 0.00439; ESP Exome Variant Server 0.00308; gnomAD 0.00293 and 0.00310; ExAC 0.00108.
gnomAD v4.1: 999 of 1,614,014 alleles (0.062%); highest among the groups gnomAD compares: African/African-American, 0.89%; 5 homozygotes.

Submissions (4):

Ambry Genetics
Classification: Likely benign. Last evaluated: 2025-11-05. Review status: criteria provided, single submitter. Criteria: Ambry Variant Classification Scheme 2023. Collection method: clinical testing. Allele origin: germline.

Labcorp Genetics (formerly Invitae), Labcorp
Classification: Benign. Last evaluated: 2019-12-31. Review status: criteria provided, single submitter. Criteria: Invitae Variant Classification Sherloc (09022015). Collection method: clinical testing. Allele origin: germline.

Breakthrough Genomics
Classification: Benign. Review status: criteria provided, single submitter. Criteria: ACMG Guidelines, 2015. Collection method: not provided. Allele origin: germline. Inheritance: Autosomal recessive inheritance. Affected: yes.

PreventionGenetics, part of Exact Sciences
Classification: Benign for LRPAP1-related condition. Last evaluated: 2023-12-19. Review status: no assertion criteria provided. Collection method: clinical testing. Allele origin: germline. Not counted in ClinVar's aggregate classification.
Comment: This variant is classified as benign based on ACMG/AMP sequence variant interpretation guidelines (Richards et al. 2015 PMID: 25741868, with internal and published modifications).